The following is an entry in ClinVar:

ClinVar aggregate classification (germline): Benign/Likely benign. Review status: criteria provided, multiple submitters, no conflicts (2 of 4 stars). 3 submissions from 3 submitters: Benign (1); Likely benign (2). Last evaluated 2023-07-01.

Allele frequency attached by ClinVar (database versions not stated): 1000 Genomes Project 0.00339; 1000 Genomes Project 30x 0.00344; gnomAD 0.00793 and 0.00832; TOPMed 0.00859; ExAC 0.01121.
gnomAD v4.1: 17,051 of 1,603,592 alleles (1.1%); highest among the groups gnomAD compares: Non-Finnish European, 1.3%; 105 homozygotes.

Submissions (3):

CeGaT Center for Human Genetics Tuebingen
Classification: Benign. Last evaluated: 2023-07-01. Review status: criteria provided, single submitter. Criteria: CeGaT Center For Human Genetics Tuebingen Variant Classification Criteria Version 2. Collection method: clinical testing. Allele origin: germline. Affected: yes. Observed: 11 variant alleles.
Comment: ACAD9: BS1, BS2

GeneDx
Classification: Likely benign. Last evaluated: 2018-06-16. Review status: criteria provided, single submitter. Criteria: GeneDx Variant Classification (06012015). Collection method: clinical testing. Allele origin: germline. Affected: yes.
Comment: This variant is considered likely benign or benign based on one or more of the following criteria: it is a conservative change, it occurs at a poorly conserved position in the protein, it is predicted to be benign by multiple in silico algorithms, and/or has population frequency not consistent with disease.

Breakthrough Genomics
Classification: Likely benign. Review status: criteria provided, single submitter. Criteria: ACMG Guidelines, 2015. Collection method: not provided. Allele origin: germline. Inheritance: Autosomal recessive inheritance. Affected: yes.

NM_014049.5(ACAD9):c.150+87C>T

Gene: ACAD9 (acyl-CoA dehydrogenase family member 9; plus strand). Cytogenetic location: 3q21.3.
Variant type: single nucleotide variant.
Coding change: c.150+87C>T on transcript NM_014049.5 (MANE Select); 87 bases into the intron after coding-DNA position 150, C replaced by T.
Molecular consequence: intron variant. On other transcripts: non-coding transcript variant (1).
Genome position (GRCh38, 1-based): chr3:128,879,928, C>T. VCF-style: chr3-128879928-C-T. GRCh37 (hg19) VCF-style: chr3-128598771-C-T.
Identifiers: ClinVar variation 676723 (VCV000676723.31), dbSNP rs111805092, ClinGen allele CA2601039.